The following is an entry in ClinVar:

NM_015909.4(NBAS):c.1576C>T (p.Pro526Ser)

Gene: NBAS (NBAS subunit of NRZ tethering complex; minus strand). Cytogenetic location: 2p24.3.
Variant type: single nucleotide variant.
Coding change: c.1576C>T on transcript NM_015909.4 (MANE Select); coding-DNA position 1576, C replaced by T.
Protein change: p.Pro526Ser; replaces proline 526 with serine.
Molecular consequence: missense variant. On other transcripts: non-coding transcript variant (1).
Genome position (GRCh38, 1-based): chr2:15,474,090, G>A on the plus strand (C>T on the coding strand, the complement: NBAS is on the minus strand). VCF-style: chr2-15474090-G-A. GRCh37 (hg19) VCF-style: chr2-15614214-G-A.
Other names: short protein forms P526S.
Identifiers: ClinVar variation 1485291 (VCV001485291.3), dbSNP rs2148585311, ClinGen allele CA345887742.

ClinVar aggregate classification (germline): Uncertain significance (1 of 4 stars; one submission).

Submission:

Labcorp Genetics (formerly Invitae), Labcorp
Classification: Uncertain significance. Last evaluated: 2021-09-03. Review status: criteria provided, single submitter. Criteria: Invitae Variant Classification Sherloc (09022015). Collection method: clinical testing. Allele origin: germline.
Comment: This sequence change replaces proline with serine at codon 526 of the NBAS protein (p.Pro526Ser). The proline residue is highly conserved and there is a moderate physicochemical difference between proline and serine. This variant is not present in population databases (ExAC no frequency). This variant has not been reported in the literature in individuals affected with NBAS-related conditions. Algorithms developed to predict the effect of missense changes on protein structure and function (SIFT, PolyPhen-2, Align-GVGD) all suggest that this variant is likely to be disruptive. In summary, the available evidence is currently insufficient to determine the role of this variant in disease. Therefore, it has been classified as a Variant of Uncertain Significance.